The following is an entry in ClinVar:

ClinVar aggregate classification (germline): Uncertain significance (1 of 4 stars; one submission).

Submission:

GeneDx
Classification: Uncertain significance. Last evaluated: 2024-08-05. Review status: criteria provided, single submitter. Criteria: GeneDx Variant Classification Process June 2021. Collection method: clinical testing. Allele origin: germline. Affected: yes.
Comment: Not observed at significant frequency in large population cohorts (gnomAD); In silico analysis supports that this missense variant has a deleterious effect on protein structure/function; Has not been previously published as pathogenic or benign to our knowledge

NM_024496.4(IRF2BPL):c.1382A>C (p.Glu461Ala)

Gene: IRF2BPL (interferon regulatory factor 2 binding protein like; minus strand). Cytogenetic location: 14q24.3.
Variant type: single nucleotide variant.
Coding change: c.1382A>C on transcript NM_024496.4 (MANE Select); coding-DNA position 1382, A replaced by C.
Protein change: p.Glu461Ala; replaces glutamic acid 461 with alanine.
Molecular consequence: missense variant.
Genome position (GRCh38, 1-based): chr14:77,026,411, T>G on the plus strand (A>C on the coding strand, the complement: IRF2BPL is on the minus strand). VCF-style: chr14-77026411-T-G. GRCh37 (hg19) VCF-style: chr14-77492754-T-G.
Other names: short protein forms E461A.
Identifiers: ClinVar variation 3603165 (VCV003603165.1).